The following is an entry in ClinVar:

NM_000051.4(ATM):c.8418G>C (p.Met2806Ile)

Genes: ATM (ATM serine/threonine kinase; plus strand), C11orf65 (chromosome 11 open reading frame 65; minus strand). Cytogenetic location: 11q22.3.
Variant type: single nucleotide variant.
Coding change: c.8418G>C on transcript NM_000051.4 (MANE Select); coding-DNA position 8418, G replaced by C.
Protein change: p.Met2806Ile; replaces methionine 2806 with isoleucine.
Molecular consequence: missense variant. On other transcripts: intron variant (2).
Genome position (GRCh38, 1-based): chr11:108,343,371, G>C. VCF-style: chr11-108343371-G-C. GRCh37 (hg19) VCF-style: chr11-108214098-G-C.
Other names: c.8418G>C, p.Met2806Ile (NM_001351834.2); c.641-34300C>G (NM_001330368.2); c.695-8079C>G (NM_001351110.2); short protein forms M2806I.
Identifiers: ClinVar variation 3639399 (VCV003639399.2).

ClinVar aggregate classification (germline): Uncertain significance (1 of 4 stars; one submission).

Conditions:
Ataxia-telangiectasia syndrome (AT). Also called: Ataxia-telangiectasia, complementation group D; AT, COMPLEMENTATION GROUP C; ATAXIA-TELANGIECTASIA, COMPLEMENTATION GROUP A; ATAXIA-TELANGIECTASIA, FRESNO VARIANT; Ataxia-telangiectasia; Ataxia-telangiectasia, complementation group E. Identifiers: Orphanet 100, MedGen C0004135, MONDO:0008840, OMIM 208900.

Submission:

Labcorp Genetics (formerly Invitae), Labcorp
Classification: Uncertain significance for Ataxia-telangiectasia syndrome. Last evaluated: 2024-02-07. Review status: criteria provided, single submitter. Criteria: Invitae Variant Classification Sherloc (09022015). Collection method: clinical testing. Allele origin: germline.
Comment: This sequence change replaces methionine, which is neutral and non-polar, with isoleucine, which is neutral and non-polar, at codon 2806 of the ATM protein (p.Met2806Ile). This variant also falls at the last nucleotide of exon 57, which is part of the consensus splice site for this exon. This variant is not present in population databases (gnomAD no frequency). This variant has not been reported in the literature in individuals affected with ATM-related conditions. An algorithm developed to predict the effect of missense changes on protein structure and function (PolyPhen-2) suggests that this variant is likely to be tolerated. Variants that disrupt the consensus splice site are a relatively common cause of aberrant splicing (PMID: 17576681, 9536098). Algorithms developed to predict the effect of sequence changes on RNA splicing suggest that this variant may disrupt the consensus splice site. This variant disrupts the c.8418G nucleotide in the ATM gene. Other variant(s) that disrupt this nucleotide have been determined to be pathogenic (PMID: 31275557; Invitae). This suggests that this nucleotide is clinically significant, and that variants that disrupt this position are likely to be disease-causing. In summary, the available evidence is currently insufficient to determine the role of this variant in disease. Therefore, it has been classified as a Variant of Uncertain Significance.

Literature cited by the submitters: PubMed 17576681; PubMed 9536098; PubMed 31275557.